The following is an entry in ClinVar:

NM_182961.4(SYNE1):c.19698G>T (p.Met6566Ile)

Gene: SYNE1 (spectrin repeat containing nuclear envelope protein 1; minus strand). Cytogenetic location: 6q25.2.
Variant type: single nucleotide variant.
Coding change: c.19698G>T on transcript NM_182961.4 (MANE Select); coding-DNA position 19698, G replaced by T.
Protein change: p.Met6566Ile; replaces methionine 6566 with isoleucine.
Molecular consequence: missense variant.
Genome position (GRCh38, 1-based): chr6:152,242,435, C>A on the plus strand (G>T on the coding strand, the complement: SYNE1 is on the minus strand). VCF-style: chr6-152242435-C-A. GRCh37 (hg19) VCF-style: chr6-152563570-C-A.
Other names: p.Met6495Ile; c.19485G>T, p.Met6495Ile (NM_033071.5); short protein forms M6495I, M6566I.
Identifiers: ClinVar variation 355839 (VCV000355839.18), dbSNP rs35654757, ClinGen allele CA4054586.

ClinVar aggregate classification (germline): Benign/Likely benign. Review status: criteria provided, multiple submitters, no conflicts (2 of 4 stars). 7 submissions from 6 submitters: Benign (6); Likely benign (1). Last evaluated 2026-01-25.

Conditions:
Emery-Dreifuss muscular dystrophy 4, autosomal dominant (EDMD4). Also called: EMERY-DREIFUSS MUSCULAR DYSTROPHY 4 WITH VARIABLE FEATURES. Identifiers: Orphanet 261, MedGen C2751807, MONDO:0013071, OMIM 612998.
Autosomal recessive ataxia, Beauce type. Also called: SYNE1-Related Autosomal Recessive Cerebellar Ataxia; Spinocerebellar ataxia, autosomal recessive 8; ATAXIA, RECESSIVE, OF BEAUCE; SYNE1 Deficiency. Identifiers: Orphanet 88644, MedGen C1853116, MONDO:0012549, OMIM 610743.

Allele frequency attached by ClinVar (database versions not stated): gnomAD 0.00551 and 0.00596; 1000 Genomes Project 30x 0.00578; 1000 Genomes Project 0.00579; TOPMed 0.00625; ESP Exome Variant Server 0.00669.
gnomAD v4.1: 1,594 of 1,613,970 alleles (0.099%); highest among the groups gnomAD compares: African/African-American, 1.9%; 11 homozygotes.

Submissions (7):

Labcorp Genetics (formerly Invitae), Labcorp
Classification: Benign for Emery-Dreifuss muscular dystrophy 4, autosomal dominant; Autosomal recessive ataxia, Beauce type. Last evaluated: 2026-01-25. Review status: criteria provided, single submitter. Criteria: Invitae Variant Classification Sherloc (09022015). Collection method: clinical testing. Allele origin: germline.

Blueprint Genetics
Classification: Likely benign. Last evaluated: 2024-10-02. Review status: criteria provided, single submitter. Criteria: ACMG Guidelines, 2015. Collection method: clinical testing. Allele origin: germline.

Mayo Clinic Laboratories, Mayo Clinic
Classification: Benign. Last evaluated: 2019-06-21. Review status: criteria provided, single submitter. Criteria: ACMG Guidelines, 2015. Collection method: clinical testing. Allele origin: germline. Observed: 4 variant alleles.

Athena Diagnostics
Classification: Benign. Last evaluated: 2018-08-09. Review status: criteria provided, single submitter. Criteria: Athena Diagnostics Criteria. Collection method: clinical testing. Allele origin: germline.

Illumina Laboratory Services, Illumina
Classification: Benign for Emery-Dreifuss muscular dystrophy 4, autosomal dominant. Last evaluated: 2018-01-13. Review status: criteria provided, single submitter. Criteria: ICSL Variant Classification Criteria 13 December 2019. Collection method: clinical testing. Allele origin: germline.
Comment: This variant was observed in the ICSL laboratory as part of a predisposition screen in an ostensibly healthy population. It had not been previously curated by ICSL or reported in the Human Gene Mutation Database (HGMD: prior to June 1st, 2018), and was therefore a candidate for classification through an automated scoring system. Utilizing variant allele frequency, disease prevalence and penetrance estimates, and inheritance mode, an automated score was calculated to assess if this variant is too frequent to cause the disease. Based on the score and internal cut-off values, a variant classified as benign is not then subjected to further curation. The score for this variant resulted in a classification of benign for this disease.

Illumina Laboratory Services, Illumina
Classification: Benign for Autosomal recessive ataxia, Beauce type. Last evaluated: 2018-01-13. Review status: criteria provided, single submitter. Criteria: ICSL Variant Classification Criteria 13 December 2019. Collection method: clinical testing. Allele origin: germline.
Comment: the same text as in the submission from Illumina Laboratory Services, Illumina above.

GeneDx
Classification: Benign. Last evaluated: 2016-11-11. Review status: criteria provided, single submitter. Criteria: GeneDx Variant Classification (06012015). Collection method: clinical testing. Allele origin: germline. Affected: yes.
Comment: This variant is considered likely benign or benign based on one or more of the following criteria: it is a conservative change, it occurs at a poorly conserved position in the protein, it is predicted to be benign by multiple in silico algorithms, and/or has population frequency not consistent with disease.

Literature cited by the submitters: PubMed 28074886 (cited by Athena Diagnostics).